The following is an entry in ClinVar:

ClinVar aggregate classification (germline): Uncertain significance (1 of 4 stars; one submission).

Conditions:
Hereditary cancer-predisposing syndrome. Also called: Hereditary Cancer Syndrome; Neoplastic Syndromes, Hereditary; Tumor predisposition; Hereditary neoplastic syndrome. Identifiers: Orphanet 140162, MedGen C0027672, MeSH D009386, MONDO:0015356.

Submission:

Ambry Genetics
Classification: Uncertain significance for Hereditary cancer-predisposing syndrome. Last evaluated: 2016-04-19. Review status: criteria provided, single submitter. Criteria: Ambry Variant Classification Scheme 2023. Collection method: clinical testing. Allele origin: germline.
Comment: The p.P148A variant (also known as c.442C>G), located in coding exon 5 of the PMS2 gene, results from a C to G substitution at nucleotide position 442. The proline at codon 148 is replaced by alanine, an amino acid with highly similar properties. This variant was not reported in population based cohorts in the following databases: Database of Single Nucleotide Polymorphisms (dbSNP), NHLBI Exome Sequencing Project (ESP), and 1000 Genomes Project. In the ESP, this variant was not observed in 6503 samples (13006 alleles) with coverage at this position. To date, this alteration has been detected with an allele frequency of approximately 0.001% (greater than 110000 alleles tested) in our clinical cohort. This amino acid position is highly conserved in available vertebrate species. In addition, the in silico prediction for this alteration is inconclusive. Since supporting evidence is limited at this time, the clinical significance of this alteration remains unclear.

NM_000535.7(PMS2):c.442C>G (p.Pro148Ala)

Gene: PMS2 (PMS1 homolog 2, mismatch repair system component; minus strand). Cytogenetic location: 7p22.1.
Variant type: single nucleotide variant.
Coding change: c.442C>G on transcript NM_000535.7 (MANE Select); coding-DNA position 442, C replaced by G.
Protein change: p.Pro148Ala; replaces proline 148 with alanine.
Molecular consequence: missense variant. On other transcripts: 5 prime UTR variant (2), non-coding transcript variant (1).
Genome position (GRCh38, 1-based): chr7:6,002,548, G>C on the plus strand (C>G on the coding strand, the complement: PMS2 is on the minus strand). VCF-style: chr7-6002548-G-C. GRCh37 (hg19) VCF-style: chr7-6042179-G-C.
Other names: c.37C>G, p.Pro13Ala (NM_001322003.2, NM_001322004.2, NM_001322005.2 and 3 more transcripts); c.442C>G, p.Pro148Ala (NM_001322006.2, NM_001322014.2); c.124C>G, p.Pro42Ala (NM_001322007.2, NM_001322008.2); c.-443C>G (NM_001322011.2, NM_001322012.2); c.133C>G, p.Pro45Ala (NM_001322015.2); short protein forms P148A, P13A, P42A, P45A.
Identifiers: ClinVar variation 480322 (VCV000480322.5), dbSNP rs1554304009, ClinGen allele CA366744339.